The following is an entry in ClinVar:

NM_024675.4(PALB2):c.3108_3113+2dup

Gene: PALB2 (partner and localizer of BRCA2; minus strand). Cytogenetic location: 16p12.2.
Variant type: Duplication.
Coding change: c.3108_3113+2dup on transcript NM_024675.4 (MANE Select); coding-DNA position 3108 through the canonical splice donor site of the intron after coding-DNA position 3113, 8 bases duplicated (TATTTGGT; older notation c.3108_3113+2dupTATTTGGT).
Molecular consequence: splice donor variant. On other transcripts: intron variant (1).
Genome position (GRCh38, 1-based): chr16:23,621,360-23,621,367, ACCAAATA duplicated on the plus strand (TATTTGGT on the coding strand, the reverse complement: PALB2 is on the minus strand); duplicating any 8 consecutive bases within chr16:23,621,360-23,621,369 gives the same sequence; the c. name uses the placement nearest the transcript's 3' end. VCF-style (leftmost placement, unchanged base first): chr16-23621359-T-TACCAAATA. GRCh37 (hg19) VCF-style: chr16-23632680-T-TACCAAATA.
Other names: c.2223_2228+2dup (NM_001407308.1, NM_001407306.1, NM_001407309.1 and 4 more transcripts); c.642_647+2dup (NM_001407314.1); c.1320_1325+2dup (NM_001407313.1, NM_001407312.1); c.3048_3053+2dup (NM_001407296.1); c.3036_3041+2dup (NM_001407297.1); c.2946_2951+2dup (NM_001407302.1, NM_001407298.1); c.2834+2642_2834+2649dup (NM_001407300.1); c.3108_3113+2dup (NM_001407299.1, NM_001407301.1); and 1 more.
Identifiers: ClinVar variation 3722901 (VCV003722901.2).

ClinVar aggregate classification (germline): Uncertain significance (1 of 4 stars; one submission).

Conditions:
Familial cancer of breast. Also called: Hereditary breast cancer; BREAST CANCER, FAMILIAL; hereditary breast carcinoma. Identifiers: Orphanet 227535, MedGen C0346153, MONDO:0016419, OMIM 114480. Disease mechanism: loss of function.

Submission:

Labcorp Genetics (formerly Invitae), Labcorp
Classification: Uncertain significance for Familial cancer of breast. Last evaluated: 2024-10-15. Review status: criteria provided, single submitter. Criteria: Invitae Variant Classification Sherloc (09022015). Collection method: clinical testing. Allele origin: germline.
Comment: This sequence change falls in intron 10 of the PALB2 gene. It does not directly change the encoded amino acid sequence of the PALB2 protein. It affects a nucleotide within the consensus splice site. This variant is not present in population databases (gnomAD no frequency). This variant has not been reported in the literature in individuals affected with PALB2-related conditions. Variants that disrupt the consensus splice site are a relatively common cause of aberrant splicing (PMID: 17576681, 9536098). Experimental studies and prediction algorithms are not available or were not evaluated, and the effect of this variant on mRNA splicing is currently unknown. In summary, the available evidence is currently insufficient to determine the role of this variant in disease. Therefore, it has been classified as a Variant of Uncertain Significance.

Literature cited by the submitters: PubMed 17576681; PubMed 9536098.